The following is an entry in ClinVar:

NM_012079.6(DGAT1):c.1462del (p.Ala488fs)

Gene: DGAT1 (diacylglycerol O-acyltransferase 1; minus strand). Cytogenetic location: 8q24.3.
Variant type: Deletion.
Coding change: c.1462del on transcript NM_012079.6 (MANE Select); coding-DNA position 1462, one base deleted (G; older notation c.1462delG).
Protein change: p.Ala488fs; shifts the reading frame from alanine 488.
Molecular consequence: frameshift variant.
Genome position (GRCh38, 1-based): chr8:144,316,559, C deleted on the plus strand (G on the coding strand, the reverse complement: DGAT1 is on the minus strand); the first of 2 consecutive C bases (chr8:144,316,559-144,316,560); deleting either gives the same sequence. VCF-style (leftmost placement, unchanged base first): chr8-144316558-GC-G. GRCh37 (hg19) VCF-style: chr8-145540221-GC-G.
Other names: c.1462delG (NM_012079.5); short protein forms A488fs.
Identifiers: ClinVar variation 504005 (VCV000504005.4), dbSNP rs1554847009, ClinGen allele CA658797159.

ClinVar aggregate classification (germline): Likely pathogenic. Review status: criteria provided, single submitter (1 of 4 stars). 2 submissions from 2 submitters: Likely pathogenic (1). 1 of the submissions does not count toward it. Last evaluated 2021-02-03.

Conditions:
Congenital diarrhea 7 with exudative enteropathy. Also called: Diarrhea 7. Identifiers: Orphanet 329242, MedGen C4014516, MONDO:0014375, OMIM 615863.

Submissions (2):

GeneDx
Classification: Likely pathogenic. Last evaluated: 2021-02-03. Review status: criteria provided, single submitter. Criteria: GeneDx Variant Classification Process June 2021. Collection method: clinical testing. Allele origin: germline. Affected: yes.
Comment: Frameshift variant predicted to result in protein truncation, as the last 1 amino acids are replaced with 225 different amino acids, and other loss-of-function variants have been reported downstream in the Human Gene Mutation Database (Stenson et al., 2014); Not observed in large population cohorts (Lek et al., 2016); This variant is associated with the following publications: (PMID: 31778854)

OMIM
Classification: Pathogenic for DIARRHEA 7, PROTEIN-LOSING ENTEROPATHY TYPE. Last evaluated: 2022-11-30. Review status: no assertion criteria provided. Collection method: literature only. Allele origin: germline. Not counted in ClinVar's aggregate classification.

Literature cited by the submitters: PubMed 31778854 (cited by OMIM).